The following is an entry in ClinVar:

ClinVar aggregate classification (germline): Likely benign. Review status: criteria provided, multiple submitters, no conflicts (2 of 4 stars). 4 submissions from 4 submitters: Likely benign (4). Last evaluated 2025-11-22.

Allele frequency attached by ClinVar (database versions not stated): gnomAD exomes 0.00007 and 0.00008; gnomAD 0.00009 and 0.00011; ExAC 0.00030; 1000 Genomes Project 30x 0.00047; 1000 Genomes Project 0.00060.
gnomAD v4.1: 146 of 1,442,892 alleles (0.01%); highest among the groups gnomAD compares: Middle Eastern, 0.33%; 2 homozygotes.

Submissions (4):

Labcorp Genetics (formerly Invitae), Labcorp
Classification: Likely benign. Last evaluated: 2025-11-22. Review status: criteria provided, single submitter. Criteria: Invitae Variant Classification Sherloc (09022015). Collection method: clinical testing. Allele origin: germline.

Blueprint Genetics
Classification: Likely benign. Last evaluated: 2024-09-23. Review status: criteria provided, single submitter. Criteria: ACMG Guidelines, 2015. Collection method: clinical testing. Allele origin: germline.

CeGaT Center for Human Genetics Tuebingen
Classification: Likely benign. Last evaluated: 2024-07-01. Review status: criteria provided, single submitter. Criteria: CeGaT Center For Human Genetics Tuebingen Variant Classification Criteria Version 2. Collection method: clinical testing. Allele origin: germline. Affected: yes. Observed: 2 variant alleles.
Comment: PCGF2: BP4, BP7

Breakthrough Genomics
Classification: Likely benign. Review status: criteria provided, single submitter. Criteria: ACMG Guidelines, 2015. Collection method: not provided. Allele origin: germline. Inheritance: Autosomal dominant inheritance. Affected: yes.

NM_007144.3(PCGF2):c.1017C>T (p.Pro339=)

Genes: CISD3 (CDGSH iron sulfur domain 3; plus strand), PCGF2 (polycomb group ring finger 2; minus strand). Cytogenetic location: 17q12.
Variant type: single nucleotide variant.
Coding change: c.1017C>T on transcript NM_007144.3 (MANE Select); coding-DNA position 1017, C replaced by T.
Protein change: p.Pro339=; no amino-acid change (proline 339 retained).
Molecular consequence: synonymous variant. On other transcripts: 3 prime UTR variant (1).
Genome position (GRCh38, 1-based): chr17:38,735,241, G>A on the plus strand (C>T on the coding strand, the complement: PCGF2 is on the minus strand). VCF-style: chr17-38735241-G-A. GRCh37 (hg19) VCF-style: chr17-36891494-G-A.
Other names: c.*1786G>A (NM_001136498.2); c.1017C>T, p.Pro339= (NM_001369614.1, NM_001369615.1).
Identifiers: ClinVar variation 1633188 (VCV001633188.34), dbSNP rs112908318, ClinGen allele CA8524839.
Genomic context (GRCh38, chr17:38,735,241, plus strand): 5'-AGTGGAGAGGCTTGGCTGGAAGAAGGGAGAGGGTCCCTGGCCTCAAGTTAAGGGGGGCAC[G>A]GGAGCGCCGTTGACAGTCATCTTGCGCCCCCTGCTGGTGGAGGATGGTGTCTGCAGGCAG-3'
Protein context (NP_009075.1, residues 329-344): RGRKMTVNGA[Pro339=]VPPLT